The following is an entry in ClinVar:

NM_001256071.3(RNF213):c.12509T>C (p.Leu4170Pro)

Genes: RNF213 (ring finger protein 213; plus strand), RNF213-AS1 (RNF213 antisense RNA 1; minus strand), LOC126862663 (BRD4-independent group 4 enhancer GRCh37_chr17:78345568-78346767; plus strand). Cytogenetic location: 17q25.3.
Variant type: single nucleotide variant.
Coding change: c.12509T>C on transcript NM_001256071.3 (MANE Select); coding-DNA position 12509, T replaced by C.
Protein change: p.Leu4170Pro; replaces leucine 4170 with proline.
Molecular consequence: missense variant.
Genome position (GRCh38, 1-based): chr17:80,371,957, T>C. VCF-style: chr17-80371957-T-C. GRCh37 (hg19) VCF-style: chr17-78345757-T-C.
Other names: c.12656T>C, p.Leu4219Pro (NM_001410195.1, NM_020914.5); short protein forms L4170P, L4219P.
Identifiers: ClinVar variation 4690845 (VCV004690845.1).

ClinVar aggregate classification (germline): Uncertain significance (1 of 4 stars; one submission).

gnomAD v4.1: 4 of 1,593,574 alleles (0.00025%); highest among the groups gnomAD compares: Non-Finnish European, 0.00034%; no homozygotes.

Submission:

Labcorp Genetics (formerly Invitae), Labcorp
Classification: Uncertain significance. Last evaluated: 2025-04-10. Review status: criteria provided, single submitter. Criteria: Invitae Variant Classification Sherloc (09022015). Collection method: clinical testing. Allele origin: germline.
Comment: This sequence change replaces leucine, which is neutral and non-polar, with proline, which is neutral and non-polar, at codon 4170 of the RNF213 protein (p.Leu4170Pro). This variant is not present in population databases (gnomAD no frequency). This variant has not been reported in the literature in individuals affected with RNF213-related conditions. Invitae Evidence Modeling of protein sequence and biophysical properties (such as structural, functional, and spatial information, amino acid conservation, physicochemical variation, residue mobility, and thermodynamic stability) has been performed for this missense variant. However, the output from this modeling did not meet the statistical confidence thresholds required to predict the impact of this variant on RNF213 protein function. In summary, the available evidence is currently insufficient to determine the role of this variant in disease. Therefore, it has been classified as a Variant of Uncertain Significance.